The following is an entry in ClinVar:

ClinVar aggregate classification (germline): Likely pathogenic. Review status: criteria provided, multiple submitters, no conflicts (2 of 4 stars). 5 submissions from 5 submitters: Likely pathogenic (4). 1 of the submissions does not count toward it. Last evaluated 2025-09-24.

Conditions:
Polycystic kidney disease 4 (PKD4). Also called: POLYCYSTIC KIDNEY DISEASE 4 WITH OR WITHOUT POLYCYSTIC LIVER DISEASE; POLYCYSTIC KIDNEY AND HEPATIC DISEASE 1; POLYCYSTIC KIDNEY DISEASE, INFANTILE, TYPE I; PKD3; Autosomal Recessive Polycystic Kidney Disease – PKHD1. Identifiers: MedGen C4540575, MONDO:0033004, OMIM 263200.
Autosomal recessive polycystic kidney disease (ARPKD). Also called: AR polycystic kidney disease. Identifiers: Orphanet 731, Orphanet 8378, MedGen C0085548, MeSH D017044, MONDO:0009889.

Submissions (5):

Genesolutions, Medical Genetics Institutes, Ho Chi Minh City, Vietnam
Classification: Likely pathogenic for Polycystic kidney disease 4. Last evaluated: 2025-09-24. Review status: criteria provided, single submitter. Criteria: ACMG Guidelines, 2015. Collection method: clinical testing. Allele origin: germline. Affected: yes.

Natera, Inc.
Classification: Likely pathogenic for Autosomal recessive polycystic kidney disease. Last evaluated: 2025-07-24. Review status: criteria provided, single submitter. Criteria: Natera Variant Classification Schema (03/2026). Collection method: clinical testing. Allele origin: germline.
Comment: The c.9998+1G>T variant in PKHD1 is a canonical splice donor site variant predicted to affect pre-mRNA splicing, which may result in an abnormal transcript and altered protein product. This variant may result in a truncated or dysfunctional protein product. This variant is rare in the general population with a frequency below the threshold expected for the associated phenotype(s). Given the available evidence, this variant is classified as Likely Pathogenic.

Baylor Genetics
Classification: Likely pathogenic for Polycystic kidney disease 4. Last evaluated: 2023-09-09. Review status: criteria provided, single submitter. Criteria: ACMG Guidelines, 2015. Collection method: clinical testing. Allele origin: unknown.

Labcorp Genetics (formerly Invitae), Labcorp
Classification: Likely pathogenic for Autosomal recessive polycystic kidney disease. Last evaluated: 2023-07-29. Review status: criteria provided, single submitter. Criteria: Invitae Variant Classification Sherloc (09022015). Collection method: clinical testing. Allele origin: germline.
Comment: This sequence change affects a donor splice site in intron 59 of the PKHD1 gene. It is expected to disrupt RNA splicing. Variants that disrupt the donor or acceptor splice site typically lead to a loss of protein function (PMID: 16199547), and loss-of-function variants in PKHD1 are known to be pathogenic (PMID: 19940839). This variant is not present in population databases (gnomAD no frequency). This variant has not been reported in the literature in individuals affected with PKHD1-related conditions. ClinVar contains an entry for this variant (Variation ID: 555692). Algorithms developed to predict the effect of sequence changes on RNA splicing suggest that this variant may disrupt the consensus splice site. In summary, the currently available evidence indicates that the variant is pathogenic, but additional data are needed to prove that conclusively. Therefore, this variant has been classified as Likely Pathogenic.

Counsyl
Classification: Likely pathogenic for Polycystic kidney disease 4. Last evaluated: 2017-12-24. Review status: no assertion criteria provided. Collection method: clinical testing. Allele origin: unknown. Not counted in ClinVar's aggregate classification.

Literature cited by the submitters: PubMed 16199547 (cited by Labcorp Genetics (formerly Invitae), Labcorp); PubMed 19940839 (cited by Labcorp Genetics (formerly Invitae), Labcorp).

NM_138694.4(PKHD1):c.9998+1G>T

Gene: PKHD1 (PKHD1 ciliary IPT domain containing fibrocystin/polyductin; minus strand). Cytogenetic location: 6p12.3.
Variant type: single nucleotide variant.
Coding change: c.9998+1G>T on transcript NM_138694.4 (MANE Select); the canonical splice donor site of the intron after coding-DNA position 9998, G replaced by T.
Molecular consequence: splice donor variant.
Genome position (GRCh38, 1-based): chr6:51,746,720, C>A on the plus strand (G>T on the coding strand, the complement: PKHD1 is on the minus strand). VCF-style: chr6-51746720-C-A. GRCh37 (hg19) VCF-style: chr6-51611518-C-A.
Other names: c.9998+1G>T (NM_170724.3).
Identifiers: ClinVar variation 555692 (VCV000555692.8), dbSNP rs1554217691, ClinGen allele CA364419178.